The following is an entry in ClinVar:

NM_004863.4(SPTLC2):c.702_708del (p.Tyr235fs)

Gene: SPTLC2 (serine palmitoyltransferase long chain base subunit 2; minus strand). Cytogenetic location: 14q24.3.
Variant type: Deletion.
Coding change: c.702_708del on transcript NM_004863.4 (MANE Select); coding-DNA positions 702 to 708, 7 bases deleted (GTATGGC; older notation c.702_708delGTATGGC).
Protein change: p.Tyr235fs; shifts the reading frame from tyrosine 235.
Molecular consequence: frameshift variant.
Genome position (GRCh38, 1-based): chr14:77,570,432-77,570,438, GCCATAC deleted on the plus strand (GTATGGC on the coding strand, the reverse complement: SPTLC2 is on the minus strand); deleting any 7 consecutive bases within chr14:77,570,432-77,570,444 gives the same sequence; the c. name uses the placement nearest the transcript's 3' end. VCF-style (leftmost placement, unchanged base first): chr14-77570431-TGCCATAC-T. GRCh37 (hg19) VCF-style: chr14-78036774-TGCCATAC-T.
Other names: c.702_708delGTATGGC (NM_004863.3); short protein forms Y235fs.
Identifiers: ClinVar variation 654137 (VCV000654137.6), dbSNP rs1594996545, ClinGen allele CA915946340.

ClinVar aggregate classification (germline): Uncertain significance (1 of 4 stars; one submission).

Conditions:
Neuropathy, hereditary sensory and autonomic, type 1C. Also called: HSAN IC; HSN IC. Identifiers: Orphanet 36386, MedGen C3150896, MONDO:0013337, OMIM 613640.

Submission:

Labcorp Genetics (formerly Invitae), Labcorp
Classification: Uncertain significance for Neuropathy, hereditary sensory and autonomic, type 1C. Last evaluated: 2018-08-20. Review status: criteria provided, single submitter. Criteria: Invitae Variant Classification Sherloc (09022015). Collection method: clinical testing. Allele origin: germline.
Comment: This sequence change creates a premature translational stop signal (p.Tyr235Trpfs*8) in the SPTLC2 gene. It is expected to result in an absent or disrupted protein product. This variant is not present in population databases (ExAC no frequency). This variant has not been reported in the literature in individuals with SPTLC2-related disease. The current clinical and genetic evidence is not sufficient to establish whether loss-of-function variants in SPTLC2 cause disease. In summary, the available evidence is currently insufficient to determine the role of this variant in disease. Therefore, it has been classified as a Variant of Uncertain Significance.